The following is an entry in ClinVar:

ClinVar aggregate classification (germline): Benign (1 of 4 stars; one submission).

Conditions:
Autosomal recessive omodysplasia (OMOD1). Also called: MICROMELIC DYSPLASIA, CONGENITAL, WITH DISLOCATION OF RADIUS. Identifiers: Orphanet 2733, Orphanet 93329, MedGen C1850318, MONDO:0009779, OMIM 258315.

Allele frequency attached by ClinVar (database versions not stated): gnomAD 0.10464 and 0.11824; TOPMed 0.11486; 1000 Genomes Project 30x 0.21299; 1000 Genomes Project 0.22244.
gnomAD v4.1: 17,851 of 152,224 alleles (12%); highest among the groups gnomAD compares: East Asian, 55%; 1,703 homozygotes.

Submission:

Illumina Laboratory Services, Illumina
Classification: Benign for Autosomal recessive omodysplasia. Last evaluated: 2018-01-12. Review status: criteria provided, single submitter. Criteria: ICSL Variant Classification Criteria 13 December 2019. Collection method: clinical testing. Allele origin: germline.
Comment: This variant was observed in the ICSL laboratory as part of a predisposition screen in an ostensibly healthy population. It had not been previously curated by ICSL or reported in the Human Gene Mutation Database (HGMD: prior to June 1st, 2018), and was therefore a candidate for classification through an automated scoring system. Utilizing variant allele frequency, disease prevalence and penetrance estimates, and inheritance mode, an automated score was calculated to assess if this variant is too frequent to cause the disease. Based on the score and internal cut-off values, a variant classified as benign is not then subjected to further curation. The score for this variant resulted in a classification of benign for this disease.

NM_005708.5(GPC6):c.*4656T>A

Gene: GPC6 (glypican 6; plus strand). Cytogenetic location: 13q32.1.
Variant type: single nucleotide variant.
Coding change: c.*4656T>A on transcript NM_005708.5 (MANE Select); 4656 bases downstream of the stop codon, T replaced by A.
Molecular consequence: 3 prime UTR variant.
Genome position (GRCh38, 1-based): chr13:94,407,873, T>A. VCF-style: chr13-94407873-T-A. GRCh37 (hg19) VCF-style: chr13-95060127-T-A.
Identifiers: ClinVar variation 312611 (VCV000312611.5), dbSNP rs9561553, ClinGen allele CA10634588.